The following is an entry in ClinVar:

ClinVar aggregate classification (germline): Uncertain significance (1 of 4 stars; one submission).

Submission:

Labcorp Genetics (formerly Invitae), Labcorp
Classification: Uncertain significance. Last evaluated: 2022-08-08. Review status: criteria provided, single submitter. Criteria: Invitae Variant Classification Sherloc (09022015). Collection method: clinical testing. Allele origin: germline.
Comment: This variant is not present in population databases (gnomAD no frequency). This variant has not been reported in the literature in individuals affected with GPAA1-related conditions. This sequence change replaces histidine, which is basic and polar, with glutamine, which is neutral and polar, at codon 119 of the GPAA1 protein (p.His119Gln). In summary, the available evidence is currently insufficient to determine the role of this variant in disease. Therefore, it has been classified as a Variant of Uncertain Significance. Algorithms developed to predict the effect of missense changes on protein structure and function (SIFT, PolyPhen-2, Align-GVGD) all suggest that this variant is likely to be tolerated.

NM_003801.4(GPAA1):c.357C>G (p.His119Gln)

Gene: GPAA1 (glycosylphosphatidylinositol anchor attachment 1; plus strand). Cytogenetic location: 8q24.3.
Variant type: single nucleotide variant.
Coding change: c.357C>G on transcript NM_003801.4 (MANE Select); coding-DNA position 357, C replaced by G.
Protein change: p.His119Gln; replaces histidine 119 with glutamine.
Molecular consequence: missense variant.
Genome position (GRCh38, 1-based): chr8:144,083,491, C>G. VCF-style: chr8-144083491-C-G. GRCh37 (hg19) VCF-style: chr8-145138394-C-G.
Other names: short protein forms H119Q.
Identifiers: ClinVar variation 2116891 (VCV002116891.4), dbSNP rs1554763840, ClinGen allele CA372598333.